The following is an entry in ClinVar:

NM_024649.5(BBS1):c.1448G>A (p.Arg483Gln)

Genes: BBS1 (Bardet-Biedl syndrome 1; plus strand), ZDHHC24 (zDHHC palmitoyltransferase 24; minus strand). Cytogenetic location: 11q13.2.
Variant type: single nucleotide variant.
Coding change: c.1448G>A on transcript NM_024649.5 (MANE Select); coding-DNA position 1448, G replaced by A.
Protein change: p.Arg483Gln; replaces arginine 483 with glutamine.
Molecular consequence: missense variant. On other transcripts: intron variant (1).
Genome position (GRCh38, 1-based): chr11:66,529,927, G>A. VCF-style: chr11-66529927-G-A. GRCh37 (hg19) VCF-style: chr11-66297398-G-A.
Other names: c.560-439C>T (NM_001348571.2); c.1448G>A (NM_024649.4); short protein forms R483Q.
Identifiers: ClinVar variation 1444932 (VCV001444932.10), dbSNP rs779828966, ClinGen allele CA6123772.

ClinVar aggregate classification (germline): Uncertain significance. Review status: criteria provided, multiple submitters, no conflicts (2 of 4 stars). 5 submissions from 5 submitters: Uncertain significance (4). 1 of the submissions does not count toward it. Last evaluated 2024-09-10.

Conditions:
BBS1-related disorder. Also called: BBS1-related condition.
Bardet-Biedl syndrome (BBS). Identifiers: Orphanet 110, MedGen C0752166, MONDO:0015229.
Bardet-Biedl syndrome 1 (BBS1). Identifiers: MedGen C2936862, MONDO:0008854, OMIM 209900. Disease mechanism: loss of function.
Retinal dystrophy. Also called: Inherited retinal dystrophy. Identifiers: Orphanet 71862, MedGen C0854723, MeSH D058499, MONDO:0019118, HP:0000556.

Allele frequency attached by ClinVar (database versions not stated): ExAC 0.00005; gnomAD 0.00001; gnomAD exomes 0.00002 and 0.00003; TOPMed 0.00001.
gnomAD v4.1: 42 of 1,604,786 alleles (0.0026%); highest among the groups gnomAD compares: East Asian, 0.058%; no homozygotes.

Submissions (5):

Blueprint Genetics
Classification: Uncertain significance. Last evaluated: 2024-09-10. Review status: criteria provided, single submitter. Criteria: ACMG Guidelines, 2015. Collection method: clinical testing. Allele origin: germline.

Dept Of Ophthalmology, Nagoya University
Classification: Uncertain significance for Retinal dystrophy. Last evaluated: 2023-10-01. Review status: criteria provided, single submitter. Criteria: Submitter's publication. Collection method: research. Allele origin: germline. Affected: yes.

Labcorp Genetics (formerly Invitae), Labcorp
Classification: Uncertain significance for Bardet-Biedl syndrome. Last evaluated: 2022-08-20. Review status: criteria provided, single submitter. Criteria: Invitae Variant Classification Sherloc (09022015). Collection method: clinical testing. Allele origin: germline.
Comment: This sequence change replaces arginine, which is basic and polar, with glutamine, which is neutral and polar, at codon 483 of the BBS1 protein (p.Arg483Gln). This variant is present in population databases (rs779828966, gnomAD 0.03%). This variant has not been reported in the literature in individuals affected with BBS1-related conditions. ClinVar contains an entry for this variant (Variation ID: 1444932). Algorithms developed to predict the effect of missense changes on protein structure and function (SIFT, PolyPhen-2, Align-GVGD) all suggest that this variant is likely to be tolerated. In summary, the available evidence is currently insufficient to determine the role of this variant in disease. Therefore, it has been classified as a Variant of Uncertain Significance.

Fulgent Genetics
Classification: Uncertain significance for Bardet-Biedl syndrome 1. Last evaluated: 2021-10-29. Review status: criteria provided, single submitter. Criteria: ACMG Guidelines, 2015. Collection method: clinical testing. Allele origin: unknown.

PreventionGenetics, part of Exact Sciences
Classification: Uncertain significance for BBS1-related condition. Last evaluated: 2024-06-10. Review status: no assertion criteria provided. Collection method: clinical testing. Allele origin: germline. Not counted in ClinVar's aggregate classification.
Comment: The BBS1 c.1448G>A variant is predicted to result in the amino acid substitution p.Arg483Gln. This variant was reported as a variant of uncertain significance in an individual with retinitis pigmentosa, though zygosity of this variant was unknown (Table S1, Griffith et al. 2022. PubMed ID: 36011402). This variant is reported in 0.016% of alleles in individuals of East Asian descent in gnomAD. At this time, the clinical significance of this variant is uncertain due to the absence of conclusive functional and genetic evidence.